The following is an entry in ClinVar:

ClinVar aggregate classification (germline): Uncertain significance. Review status: criteria provided, single submitter (1 of 4 stars). 2 submissions from 2 submitters: Uncertain significance (1). 1 of the submissions does not count toward it. Last evaluated 2017-08-21.

Conditions:
EEF1A2-related disorder. Also called: EEF1A2-related condition; EEF1A2-related disorders.

Submissions (2):

GeneDx
Classification: Uncertain significance. Last evaluated: 2017-08-21. Review status: criteria provided, single submitter. Criteria: GeneDx Variant Classification (06012015). Collection method: clinical testing. Allele origin: germline. Affected: yes.
Comment: A variant of uncertain significance has been identified in the EEF1A2 gene. The Y177S variant has not been published as a pathogenic variant, nor has it been reported as a benign variant to our knowledge. The Y177S variant is not observed in large population cohorts (Lek et al., 2016; 1000 Genomes Consortium et al., 2015; Exome Variant Server). This substitution occurs at a position that is conserved across species, and in silico analysis predicts this variant is probably damaging to the protein structure/function. The Y177S variant is a semi-conservative amino acid substitution, which may impact secondary protein structure as these residues differ in some properties. Based on the currently available information, it is unclear whether this variant is a pathogenic variant or a rare benign variant.

PreventionGenetics, part of Exact Sciences
Classification: Uncertain significance for EEF1A2-related condition. Last evaluated: 2024-05-09. Review status: no assertion criteria provided. Collection method: clinical testing. Allele origin: germline. Not counted in ClinVar's aggregate classification.
Comment: The EEF1A2 c.530A>C variant is predicted to result in the amino acid substitution p.Tyr177Ser. To our knowledge, this variant has not been reported in the literature or in a large population database, indicating this variant is rare. At this time, the clinical significance of this variant is uncertain due to the absence of conclusive functional and genetic evidence.

NM_001958.5(EEF1A2):c.530A>C (p.Tyr177Ser)

Genes: EEF1A2 (eukaryotic translation elongation factor 1 alpha 2; minus strand), LOC132090595 (Neanderthal introgressed variant-containing enhancer experimental_60987; plus strand). Cytogenetic location: 20q13.33.
Variant type: single nucleotide variant.
Coding change: c.530A>C on transcript NM_001958.5 (MANE Select); coding-DNA position 530, A replaced by C.
Protein change: p.Tyr177Ser; replaces tyrosine 177 with serine.
Molecular consequence: missense variant.
Genome position (GRCh38, 1-based): chr20:63,494,896, T>G on the plus strand (A>C on the coding strand, the complement: EEF1A2 is on the minus strand). VCF-style: chr20-63494896-T-G. GRCh37 (hg19) VCF-style: chr20-62126249-T-G.
Other names: short protein forms Y177S.
Identifiers: ClinVar variation 451415 (VCV000451415.3), dbSNP rs1555883802, ClinGen allele CA409649453.